The following is an entry in ClinVar:

NM_014946.4(SPAST):c.644G>A (p.Ser215Asn)

Gene: SPAST (spastin; plus strand). Cytogenetic location: 2p22.3.
Variant type: single nucleotide variant.
Coding change: c.644G>A on transcript NM_014946.4 (MANE Select); coding-DNA position 644, G replaced by A.
Protein change: p.Ser215Asn; replaces serine 215 with asparagine.
Molecular consequence: missense variant. On other transcripts: intron variant (3).
Genome position (GRCh38, 1-based): chr2:32,098,853, G>A. VCF-style: chr2-32098853-G-A. GRCh37 (hg19) VCF-style: chr2-32323922-G-A.
Other names: c.641G>A, p.Ser214Asn (NM_001363823.2); c.586+9248G>A (NM_199436.2, NM_001377959.1); c.583+9248G>A (NM_001363875.2); short protein forms S215N, S214N.
Identifiers: ClinVar variation 335831 (VCV000335831.12), dbSNP rs774722817, ClinGen allele CA10613219.

ClinVar aggregate classification (germline): Uncertain significance. Review status: criteria provided, multiple submitters, no conflicts (2 of 4 stars). 3 submissions from 3 submitters: Uncertain significance (3). Last evaluated 2022-05-15.

Conditions:
Hereditary spastic paraplegia 4. Also called: Spastic paraplegia 4, autosomal dominant; Spastic Paraplegia 4; Familial spastic paraplegia autosomal dominant 2. Identifiers: Orphanet 100985, MedGen C1866855, MONDO:0008438, OMIM 182601.

gnomAD v4.1: 6 of 1,613,790 alleles (0.00037%); highest among the groups gnomAD compares: Non-Finnish European, 0.00051%; no homozygotes.

Submissions (3):

Labcorp Genetics (formerly Invitae), Labcorp
Classification: Uncertain significance for Hereditary spastic paraplegia 4. Last evaluated: 2022-05-15. Review status: criteria provided, single submitter. Criteria: Invitae Variant Classification Sherloc (09022015). Collection method: clinical testing. Allele origin: germline.
Comment: This sequence change replaces serine, which is neutral and polar, with asparagine, which is neutral and polar, at codon 215 of the SPAST protein (p.Ser215Asn). In summary, the available evidence is currently insufficient to determine the role of this variant in disease. Therefore, it has been classified as a Variant of Uncertain Significance. Advanced modeling of protein sequence and biophysical properties (such as structural, functional, and spatial information, amino acid conservation, physicochemical variation, residue mobility, and thermodynamic stability) performed at Invitae indicates that this missense variant is not expected to disrupt SPAST protein function. ClinVar contains an entry for this variant (Variation ID: 335831). This variant has not been reported in the literature in individuals affected with SPAST-related conditions. This variant is present in population databases (rs774722817, gnomAD 0.0009%).

Centre for Mendelian Genomics, University Medical Centre Ljubljana
Classification: Uncertain significance for Hereditary spastic paraplegia 4. Last evaluated: 2019-06-10. Review status: criteria provided, single submitter. Criteria: ACMG Guidelines, 2015. Collection method: clinical testing. Allele origin: unknown. Affected: yes.
Comment: This variant was classified as: Uncertain significance. The available evidence on this variant's pathogenicity is insufficient or conflicting. The following ACMG criteria were applied in classifying this variant: BP4.

Illumina Laboratory Services, Illumina
Classification: Uncertain significance for Hereditary spastic paraplegia 4. Last evaluated: 2018-01-12. Review status: criteria provided, single submitter. Criteria: ICSL Variant Classification Criteria 13 December 2019. Collection method: clinical testing. Allele origin: germline.